The following is an entry in ClinVar:

NM_000426.4(LAMA2):c.8703+314T>C

Gene: LAMA2 (laminin subunit alpha 2; plus strand). Cytogenetic location: 6q22.33.
Variant type: single nucleotide variant.
Coding change: c.8703+314T>C on transcript NM_000426.4 (MANE Select); 314 bases into the intron after coding-DNA position 8703, T replaced by C.
Molecular consequence: intron variant.
Genome position (GRCh38, 1-based): chr6:129,505,669, T>C. VCF-style: chr6-129505669-T-C. GRCh37 (hg19) VCF-style: chr6-129826814-T-C.
Other names: c.8691+314T>C (NM_001079823.2).
Identifiers: ClinVar variation 671466 (VCV000671466.1), dbSNP rs144535496, ClinGen allele CA146924894.

ClinVar aggregate classification (germline): Likely benign (1 of 4 stars; one submission).

Allele frequency attached by ClinVar (database versions not stated): 1000 Genomes Project 30x 0.01171; 1000 Genomes Project 0.01198; gnomAD 0.01817 and 0.01938; TOPMed 0.01946.
gnomAD v4.1: 2,749 of 152,038 alleles (1.8%); highest among the groups gnomAD compares: African/African-American, 3.7%; 31 homozygotes.

Submission:

GeneDx
Classification: Likely benign. Last evaluated: 2018-06-16. Review status: criteria provided, single submitter. Criteria: GeneDx Variant Classification (06012015). Collection method: clinical testing. Allele origin: germline. Affected: yes.
Comment: This variant is considered likely benign or benign based on one or more of the following criteria: it is a conservative change, it occurs at a poorly conserved position in the protein, it is predicted to be benign by multiple in silico algorithms, and/or has population frequency not consistent with disease.